The following is an entry in ClinVar:

ClinVar aggregate classification (germline): Uncertain significance (1 of 4 stars; one submission).

Conditions:
Gastrointestinal stromal tumor. Also called: Gastrointestinal stromal tumor, somatic; Gastrointestinal stroma tumor. Identifiers: Orphanet 44890, MedGen C0238198, MeSH D046152, MONDO:0011719, OMIM 606764, HP:0100723.

Submission:

Labcorp Genetics (formerly Invitae), Labcorp
Classification: Uncertain significance for Gastrointestinal stromal tumor. Last evaluated: 2020-03-17. Review status: criteria provided, single submitter. Criteria: Invitae Variant Classification Sherloc (09022015). Collection method: clinical testing. Allele origin: germline.
Comment: This variant has not been reported in the literature in individuals with KIT-related conditions. This variant is not present in population databases (ExAC no frequency). This sequence change falls in intron 6 of the KIT gene. It does not directly change the encoded amino acid sequence of the KIT protein, but it affects a nucleotide within the consensus splice site of the intron. Nucleotide substitutions within the consensus splice site are a relatively common cause of aberrant splicing (PMID: 17576681, 9536098). Algorithms developed to predict the effect of sequence changes on RNA splicing suggest that this variant is not likely to affect RNA splicing, but this prediction has not been confirmed by published transcriptional studies. In summary, the available evidence is currently insufficient to determine the role of this variant in disease. Therefore, it has been classified as a Variant of Uncertain Significance.

Literature cited by the submitters: PubMed 17576681; PubMed 9536098.

NM_000222.3(KIT):c.1115+4A>C

Gene: KIT (KIT proto-oncogene, receptor tyrosine kinase; plus strand). Cytogenetic location: 4q12.
Variant type: single nucleotide variant.
Coding change: c.1115+4A>C on transcript NM_000222.3 (MANE Select); 4 bases into the intron after coding-DNA position 1115, A replaced by C.
Molecular consequence: intron variant.
Genome position (GRCh38, 1-based): chr4:54,707,291, A>C. VCF-style: chr4-54707291-A-C. GRCh37 (hg19) VCF-style: chr4-55573457-A-C.
Other names: c.1118+4A>C (NM_001385284.1, NM_001385290.1, NM_001385288.1 and 1 more transcripts); c.1115+4A>C (NM_001385285.1, NM_001093772.2, NM_001385286.1).
Identifiers: ClinVar variation 1024239 (VCV001024239.7), dbSNP rs1720851027, ClinGen allele CA1458741406.